The following is an entry in ClinVar:

ClinVar aggregate classification (germline): Likely benign. Review status: criteria provided, multiple submitters, no conflicts (2 of 4 stars). 8 submissions from 8 submitters: Likely benign (7). 1 of the submissions does not count toward it. Last evaluated 2026-08-01.

Conditions:
Dystrophin deficiency.
Duchenne muscular dystrophy (DMD). Also called: Duchenne Muscular Dystrophy (DMD); MUSCULAR DYSTROPHY, PSEUDOHYPERTROPHIC PROGRESSIVE, DUCHENNE TYPE. Identifiers: Orphanet 98896, MedGen C0013264, MONDO:0010679, OMIM 310200.
Becker muscular dystrophy (BMD). Also called: MUSCULAR DYSTROPHY, PSEUDOHYPERTROPHIC PROGRESSIVE, BECKER TYPE; Becker Muscular Dystrophy (BMD). Identifiers: Orphanet 98895, MedGen C0917713, MONDO:0010311, OMIM 300376.
Cardiomyopathy (CMYO). Also called: Cardiomyopathies. Identifiers: Orphanet 167848, MedGen C0878544, MONDO:0004994, HP:0001638. Inheritance: Various modes of inheritance.
Cardiovascular phenotype. Identifiers: MedGen CN230736.

Allele frequency attached by ClinVar (database versions not stated): ExAC 0.00010; gnomAD exomes 0.00011; gnomAD 0.00015 and 0.00016; TOPMed 0.00016; 1000 Genomes Project 30x 0.00021; 1000 Genomes Project 0.00026.
gnomAD v4.1: 145 of 1,209,203 alleles (0.012%); highest among the groups gnomAD compares: Non-Finnish European, 0.015%; no homozygotes.

Submissions (8):

CeGaT Center for Human Genetics Tuebingen
Classification: Likely benign. Last evaluated: 2026-08-01. Review status: criteria provided, single submitter. Criteria: CeGaT Center For Human Genetics Tuebingen Variant Classification Criteria Version 2. Collection method: clinical testing. Allele origin: germline. Affected: yes. Observed: 3 variant alleles.
Comment: DMD: BP4, BS2

Labcorp Genetics (formerly Invitae), Labcorp
Classification: Likely benign for Duchenne muscular dystrophy. Last evaluated: 2026-01-28. Review status: criteria provided, single submitter. Criteria: Invitae Variant Classification Sherloc (09022015). Collection method: clinical testing. Allele origin: germline.

Molecular Diagnostic Laboratory for Inherited Cardiovascular Disease, Montreal Heart Institute
Classification: Likely benign. Last evaluated: 2025-04-09. Review status: criteria provided, single submitter. Criteria: ACMG Guidelines, 2015. Collection method: clinical testing. Allele origin: germline. Affected: no.
Comment: BP1, BP4, BP5, BP6

GeneDx
Classification: Likely benign. Last evaluated: 2019-07-08. Review status: criteria provided, single submitter. Criteria: GeneDx Variant Classification Process June 2021. Collection method: clinical testing. Allele origin: germline. Affected: yes.
Comment: This variant is associated with the following publications: (PMID: 30564623)

Women's Health and Genetics/Laboratory Corporation of America, LabCorp
Classification: Likely benign. Last evaluated: 2019-03-25. Review status: criteria provided, single submitter. Criteria: LabCorp Variant Classification Summary - May 2015. Collection method: clinical testing. Allele origin: germline.
Comment: Variant summary: DMD c.2575A>T (p.Thr859Ser) results in a conservative amino acid change located in a spectrin repeat (IPR002017) of the encoded protein sequence. Five of five in-silico tools predict a benign effect of the variant on protein function. The variant allele was found at a frequency of 0.00011 in 200325 control chromosomes (gnomAD), including 10 hemizygotes. The observed variant frequency is significantly higher than expected for a pathogenic variant in DMD causing Dystrophinopathy phenotype, strongly suggesting that the variant is a benign polymorphism. To our knowledge, no occurrence of c.2575A>T in individuals affected with Dystrophinopathies and no experimental evidence demonstrating its impact on protein function have been reported. Four ClinVar submissions from clinical diagnostic laboratories (evaluation after 2014) cite the variant as likely benign (3x) and once as uncertain significance. Based on the evidence outlined above, the variant was classified as likely benign.

Ambry Genetics
Classification: Likely benign for Cardiovascular phenotype. Last evaluated: 2019-02-19. Review status: criteria provided, single submitter. Criteria: Ambry Variant Classification Scheme 2023. Collection method: clinical testing. Allele origin: germline.

Eurofins Ntd Llc (ga)
Classification: Likely benign. Last evaluated: 2017-07-18. Review status: criteria provided, single submitter. Criteria: EGL Classification Definitions 2015. Collection method: clinical testing. Allele origin: germline. Observed: 4 variant alleles, 3 heterozygotes, 1 hemizygote.

Natera, Inc.
Classification: Likely benign for Becker muscular dystrophy; Cardiomyopathy; Duchenne muscular dystrophy; Dystrophin deficiency. Last evaluated: 2019-06-24. Review status: no assertion criteria provided. Collection method: clinical testing. Allele origin: germline. Not counted in ClinVar's aggregate classification.

NM_004006.3(DMD):c.2575A>T (p.Thr859Ser)

Gene: DMD (dystrophin; minus strand). Cytogenetic location: Xp21.1.
Variant type: single nucleotide variant.
Coding change: c.2575A>T on transcript NM_004006.3 (MANE Select); coding-DNA position 2575, A replaced by T.
Protein change: p.Thr859Ser; replaces threonine 859 with serine.
Molecular consequence: missense variant.
Genome position (GRCh38, 1-based): chrX:32,491,324, T>A on the plus strand (A>T on the coding strand, the complement: DMD is on the minus strand). VCF-style: chrX-32491324-T-A. GRCh37 (hg19) VCF-style: chrX-32509441-T-A.
Other names: c.2551A>T, p.Thr851Ser (NM_000109.4); c.2563A>T, p.Thr855Ser (NM_004009.3); c.2206A>T, p.Thr736Ser (NM_004010.3); short protein forms T859S, T851S, T736S, T855S.
Identifiers: ClinVar variation 195494 (VCV000195494.40), dbSNP rs187926894, ClinGen allele CA241942.
Genomic context (GRCh38, chrX:32,491,324, plus strand): 5'-AAGAGATTCTTACCTTACAAATTTTTAACTGACTTTTAATTGCTGTTGGCTCTGATGGGG[T>A]GGTGGGTTGGATTTTCAACCAGTTTTCAGCAGTAGTTGTCATCTGCTCCAATTGTTGTAG-3'
Protein context (NP_003997.2, residues 849-869): AENWLKIQPT[Thr859Ser]PSEPTAIKSQ